The following is an entry in ClinVar:

NM_000256.3(MYBPC3):c.1224-80G>A

Gene: MYBPC3 (myosin binding protein C3; minus strand). Cytogenetic location: 11p11.2.
Variant type: single nucleotide variant.
Coding change: c.1224-80G>A on transcript NM_000256.3 (MANE Select); 80 bases into the intron before coding-DNA position 1224, G replaced by A.
Molecular consequence: intron variant.
Genome position (GRCh38, 1-based): chr11:47,343,342, C>T on the plus strand (G>A on the coding strand, the complement: MYBPC3 is on the minus strand). VCF-style: chr11-47343342-C-T. GRCh37 (hg19) VCF-style: chr11-47364893-C-T.
Identifiers: ClinVar variation 693982 (VCV000693982.36), dbSNP rs1025692267, ClinGen allele CA221697326.

ClinVar aggregate classification (germline): Pathogenic/Likely pathogenic. Review status: criteria provided, multiple submitters, no conflicts (2 of 4 stars). 22 submissions from 22 submitters: Pathogenic (4); Likely pathogenic (14). 4 of the submissions do not count toward it. Last evaluated 2026-10-14.

Conditions:
MYBPC3-related disorder. Also called: MYBPC3-related disorders; MYBPC3-related condition; MYBPC3-related disease.
Cardiovascular phenotype. Identifiers: MedGen CN230736.
Hypertrophic cardiomyopathy 4. Also called: Familial hypertrophic cardiomyopathy 4. Identifiers: MedGen C1861862, MONDO:0007268, OMIM 115197.
Left ventricular noncompaction 10 (LVNC10). Identifiers: Orphanet 154, Orphanet 54260, MedGen C3715165, MONDO:0014163, OMIM 615396.
Cardiomyopathy (CMYO). Also called: Cardiomyopathies. Identifiers: Orphanet 167848, MedGen C0878544, MONDO:0004994, HP:0001638. Inheritance: Various modes of inheritance.
Hypertrophic cardiomyopathy. Also called: HYPERTROPHIC MYOCARDIOPATHY. Identifiers: Orphanet 217569, MedGen C0007194, MeSH D002312, MONDO:0005045, HP:0001639.

Allele frequency attached by ClinVar (database versions not stated): TOPMed 0.00003; gnomAD 0.00005 and 0.00006.
gnomAD v4.1: 30 of 1,496,004 alleles (0.002%); highest among the groups gnomAD compares: African/African-American, 0.011%; no homozygotes.

Submissions 1 to 9 of 22:

GeneDx
Classification: Likely pathogenic. Last evaluated: 2026-10-14. Review status: criteria provided, single submitter. Criteria: GeneDx Variant Classification Process June 2021. Collection method: clinical testing. Allele origin: germline.
Comment: Identified in patients with HCM referred for genetic testing at GeneDx and in published literature (PMID: 31730716, 32396390, 35508642, 36264615, 39355877); Reported in a patient with childhood-onset DCM with severely depressed biventricular function (PMID: 38586174); Published functional studies demonstrate aberrant splicing (PMID: 31730716); In silico analysis supports a deleterious effect on splicing; This variant is associated with the following publications: (PMID: 32396390, 35508642, 39355877, 37821546, 31730716, 36264615, 38586174, 41175027, 39260623)

PreventionGenetics, part of Exact Sciences
Classification: Pathogenic for MYBPC3-related condition. Last evaluated: 2026-09-15. Review status: criteria provided, single submitter. Criteria: ACMG Guidelines, 2015. Collection method: clinical testing. Allele origin: germline.
Comment: The MYBPC3 c.1224-80G>A variant is predicted to interfere with splicing. This variant has been reported in several individuals with autosomal dominant hypertrophic cardiomyopathy (Janin et al. 2020. PubMed ID: 31730716; Lopes et al. 2020. PubMed ID: 32396390; Torrado et al. 2022. PubMed ID: 35508642; Singer et al. 2023. PubMed ID: 37821546). Functional analysis has shown that this variant activates a cryptic splice site within intron 13 resulting in an in-frame addition of 78 base pairs to exon 14 and ultimately leading to the incorporation of 26 amino acids (Janin et al. 2020. PubMed ID: 31730716; Singer et al. 2023. PubMed ID: 37821546). This variant falls within the C1-C2 domains of MYBPC3 which have been shown to be important for interaction with actin and supports cardiac muscle contraction (Krishnamoorthy et al. 2017. PubMed ID: 27267291; Da’as et al. 2018. PubMed ID: 30446606). This variant is reported in 0.023% of alleles in individuals of African descent in gnomAD. Based on this evidence, this variant is interpreted as pathogenic.

Ambry Genetics
Classification: Likely pathogenic for Cardiovascular phenotype. Last evaluated: 2026-03-12. Review status: criteria provided, single submitter. Criteria: Ambry Variant Classification Scheme 2023. Collection method: clinical testing. Allele origin: germline.
Comment: The c.1224-80G>A intronic alteration consists of a G to A substitution 80 nucleotides before exon 14 (coding exon 14) of the MYBPC3 gene. Based on data from gnomAD, the A allele has an overall frequency of 0.006% (2/31364) total alleles studied. The highest observed frequency was 0.023% (2/8696) of African alleles. This variant was reported in individual(s) with features consistent with hypertrophic cardiomyopathy (Janin, 2020; Lopes, 2020; Torrado, 2022; Bourfiss, 2022; Hag&egrave;ge, 2024; Kwok, 2024; Caroselli, 2025). This nucleotide position is poorly conserved in available vertebrate species. RNA studies have demonstrated that this variant results in abnormal splicing, leading to an in-frame 26 amino acid extension of exon 14 (Janin, 2020; Bourfiss, 2022; Chang, 2026). In silico splice site analysis predicts that this alteration will result in the creation or strengthening of a novel splice acceptor site. Based on the available evidence, this alteration is classified as likely pathogenic.

CeGaT Center for Human Genetics Tuebingen
Classification: Likely pathogenic. Last evaluated: 2026-03-01. Review status: criteria provided, single submitter. Criteria: CeGaT Center For Human Genetics Tuebingen Variant Classification Criteria Version 2. Collection method: clinical testing. Allele origin: germline. Affected: yes. Observed: 1 variant allele.
Comment: MYBPC3: PS4, PVS1:Strong, PM2:Supporting

Labcorp Genetics (formerly Invitae), Labcorp
Classification: Likely pathogenic for Hypertrophic cardiomyopathy. Last evaluated: 2025-11-03. Review status: criteria provided, single submitter. Criteria: Invitae Variant Classification Sherloc (09022015). Collection method: clinical testing. Allele origin: germline.
Comment: This sequence change falls in intron 13 of the MYBPC3 gene. It does not directly change the encoded amino acid sequence of the MYBPC3 protein. RNA analysis indicates that this variant induces altered splicing and likely results in the gain of 26 amino acid residue(s), but is expected to preserve the integrity of the reading-frame. This variant is present in population databases (no rsID available, gnomAD 0.02%). This variant has been observed in individuals with dilated cardiomyopathy and/or hypertrophic cardiomyopathy (PMID: 31730716, 32396390, 35508642, 37821546, 38586174, 39355877). ClinVar contains an entry for this variant (Variation ID: 693982). Studies have shown that this variant results in the activation of a cryptic splice site in intron 13 (PMID: 31730716, 37821546). In summary, the currently available evidence indicates that the variant is pathogenic, but additional data are needed to prove that conclusively. Therefore, this variant has been classified as Likely Pathogenic.

Color Diagnostics, LLC DBA Color Health
Classification: Likely pathogenic for Cardiomyopathy. Last evaluated: 2025-05-26. Review status: criteria provided, single submitter. Criteria: ACMG Guidelines, 2015. Collection method: clinical testing. Allele origin: germline.
Comment: This variant causes a G to A nucleotide substitution at the -80 position of intron 13 of the MYBPC3 gene. Functional RNA studies have shown that this variant causes the retention of 78 nucleotides from intron 13, leading to an in-frame inclusion of 26 amino acids in exon 14 in the Ig-like domain C2, a region important for F-actin binding (PMID: 31730716, 37821546). This variant has been reported in more than 10 individuals affected with hypertrophic cardiomyopathy (PMID: 31730716, 32396390, 35508642, 37821546). This variant has been identified in 2/31364 chromosomes in the general population by the Genome Aggregation Database (gnomAD). Based on the available evidence, this variant is classified as Likely Pathogenic.

Institute of Immunology and Genetics Kaiserslautern
Classification: Likely pathogenic for Hypertrophic cardiomyopathy 4. Last evaluated: 2025-05-07. Review status: criteria provided, single submitter. Criteria: ACMG Guidelines, 2015. Collection method: clinical testing. Allele origin: germline. Affected: yes.
Comment: ACMG Criteria: PS3, PM2_P, PP5; Variant was found in heterozygous state.

Dasa
Classification: Likely pathogenic. Last evaluated: 2025-04-17. Review status: criteria provided, single submitter. Criteria: DASA Assertion Criteria. Collection method: clinical testing. Allele origin: germline.
Comment: NM_000256.3(MYBPC3):c.1224-80G>A is an intronic variant. This variant has been recurrently observed in individuals with MYBPC3-related disorders (PMID: 31730716; PMID: 32396390). Functional evidence supports an impact on the gene or gene product (PMID: 31730716; PMID: 32396390). Also, this variant is rare in population databases. Computational evidence supports a deleterious effect. Based on the currently available evidence, this variant is classified as likely pathogenic.

Variantyx, Inc.
Classification: Likely pathogenic for Hypertrophic cardiomyopathy 4. Last evaluated: 2025-03-14. Review status: criteria provided, single submitter. Criteria: Variantyx Assertion Criteria 2022. Collection method: clinical testing. Allele origin: germline.
Comment: This is an intronic variant in the MYBPC3 gene (OMIM: 600958). Pathogenic variants in this gene have been associated with autosomal dominant hypertrophic cardiomyopathy 4. This splicing variant has been shown to result in a decrease of about 50% of the normal transcript amount (PMID:31730716) (PVS1_Strong). This variant has been reported in at least 8 unrelated affected individuals (PMID: 32396390, 36264615, 35508642) (PS4_Moderate). This variant has a 0.0111% maximum allele frequency in non-founder control populations. Based on the current evidence, this variant is classified as likely pathogenic for autosomal dominant hypertrophic cardiomyopathy 4.